The following is an entry in ClinVar:

NM_001379500.1(COL18A1):c.1247C>G (p.Pro416Arg)

Gene: COL18A1 (collagen type XVIII alpha 1 chain; plus strand). Cytogenetic location: 21q22.3.
Variant type: single nucleotide variant.
Coding change: c.1247C>G on transcript NM_001379500.1 (MANE Select); coding-DNA position 1247, C replaced by G.
Protein change: p.Pro416Arg; replaces proline 416 with arginine.
Molecular consequence: missense variant.
Genome position (GRCh38, 1-based): chr21:45,478,352, C>G. VCF-style: chr21-45478352-C-G. GRCh37 (hg19) VCF-style: chr21-46898266-C-G.
Other names: c.1787C>G, p.Pro596Arg (NM_030582.4); c.2492C>G, p.Pro831Arg (NM_130444.3); short protein forms P596R, P831R, P416R.
Identifiers: ClinVar variation 1405519 (VCV001405519.6), dbSNP rs768781599, ClinGen allele CA410515905.
Genomic context (GRCh38, chr21:45,478,352, plus strand): 5'-TTTCCCATCACTAATGGCTTCTCTTGCACACCCAGGGCGACCCCGGTGAAGACGGAAAGC[C>G]GGTGAGTCTGCTTTTCTTTCTGACCCCTGTGTTATCTGTGATGTTTGCTTAGACCCCAGG-3'
Protein context (NP_001366429.1, residues 406-426): EPGDPGEDGK[Pro416Arg]GDTGPQGFPG

ClinVar aggregate classification (germline): Uncertain significance (1 of 4 stars; one submission).

Submission:

Labcorp Genetics (formerly Invitae), Labcorp
Classification: Uncertain significance. Last evaluated: 2021-10-19. Review status: criteria provided, single submitter. Criteria: Invitae Variant Classification Sherloc (09022015). Collection method: clinical testing. Allele origin: germline.
Comment: This sequence change replaces proline, which is neutral and non-polar, with arginine, which is basic and polar, at codon 416 of the COL18A1 protein (p.Pro416Arg). This variant is not present in population databases (gnomAD no frequency). This variant has not been reported in the literature in individuals affected with COL18A1-related conditions. Experimental studies and prediction algorithms are not available or were not evaluated, and the functional significance of this variant is currently unknown. In summary, the available evidence is currently insufficient to determine the role of this variant in disease. Therefore, it has been classified as a Variant of Uncertain Significance.